The following is an entry in ClinVar:

NM_000432.4(MYL2):c.35dup (p.Ala13fs)

Genes: MYL2 (myosin light chain 2; minus strand), LOC114827850 (VISTA enhancer hs2149; plus strand). Cytogenetic location: 12q24.11.
Variant type: Duplication.
Coding change: c.35dup on transcript NM_000432.4 (MANE Select); coding-DNA position 35, one base duplicated (G; older notation c.35dupG).
Protein change: p.Ala13fs; shifts the reading frame from alanine 13.
Molecular consequence: frameshift variant. On other transcripts: 5 prime UTR variant (1).
Genome position (GRCh38, 1-based): chr12:110,919,162, C duplicated on the plus strand (G on the coding strand, the reverse complement: MYL2 is on the minus strand); the first of 5 consecutive C bases (chr12:110,919,162-110,919,166); duplicating any one gives the same sequence. VCF-style (leftmost placement, unchanged base first): chr12-110919161-G-GC. GRCh37 (hg19) VCF-style: chr12-111356965-G-GC.
Other names: c.35dup, p.Ala13fs (NM_001406745.1); c.-23dup (NM_001406916.1); c.35dupG (NM_000432.4); short protein forms A13fs.
Identifiers: ClinVar variation 4884623 (VCV004884623.1).

ClinVar aggregate classification (germline): Likely pathogenic (1 of 4 stars; one submission).

Conditions:
Myopathy, myofibrillar, 12, infantile-onset, with cardiomyopathy. Identifiers: MedGen C5561937, MONDO:0859168, OMIM 619424.

Submission:

Rajaie Cardiovascular, Medical and Research Center, Iran University of Medical Sciences
Classification: Likely pathogenic for Myopathy, myofibrillar, 12, infantile-onset, with cardiomyopathy. Review status: criteria provided, single submitter. Criteria: ACMG Guidelines, 2015. Collection method: research. Allele origin: germline. Inheritance: Autosomal recessive inheritance. Affected: yes. Observed: 1 variant allele, 1 homozygote.
Comment: The MYL2 c.35dupG (p.Ala13ArgfsTer18) variant is a frameshift variant predicted to result in a premature termination codon and loss of normal MYL2 protein function. Loss-of-function is an established disease mechanism for MYL2-related disease; therefore, this variant provides strong evidence for pathogenicity (PVS1). The variant is absent or extremely rare in population databases, supporting PM2. In silico prediction tools consistently support a deleterious effect on the protein, providing additional supporting evidence (PP3). Based on the combined evidence and according to the ACMG/AMP 2015 guidelines, the variant is classified as Likely Pathogenic for infantile-onset myofibrillar myopathy with cardiomyopathy (OMIM 619424), inherited in an autosomal recessive manner.